The following is an entry in ClinVar:

NM_001130438.3(SPTAN1):c.4164C>T (p.Ile1388=)

Gene: SPTAN1 (spectrin alpha, non-erythrocytic 1; plus strand). Cytogenetic location: 9q34.11.
Variant type: single nucleotide variant.
Coding change: c.4164C>T on transcript NM_001130438.3 (MANE Select); coding-DNA position 4164, C replaced by T.
Protein change: p.Ile1388=; no amino-acid change (isoleucine 1388 retained).
Molecular consequence: synonymous variant.
Genome position (GRCh38, 1-based): chr9:128,607,869, C>T. VCF-style: chr9-128607869-C-T. GRCh37 (hg19) VCF-style: chr9-131370148-C-T.
Other names: c.4104C>T, p.Ile1368= (NM_001195532.2, NM_001363765.2, NM_001375314.2); c.4164C>T, p.Ile1388= (NM_001363759.2, NM_001375310.1, NM_001375311.2 and 2 more transcripts); c.4200C>T, p.Ile1400= (NM_001375312.2, NM_001375318.1).
Identifiers: ClinVar variation 1147607 (VCV001147607.36), dbSNP rs759713935, ClinGen allele CA200396127.

ClinVar aggregate classification (germline): Likely benign. Review status: criteria provided, multiple submitters, no conflicts (2 of 4 stars). 2 submissions from 2 submitters: Likely benign (2). Last evaluated 2024-07-31.

Conditions:
Early-infantile DEE. Also called: Ohtahara syndrome; Early infantile epileptic encephalopathy; Early infantile epileptic encephalopathy with suppression bursts. Identifiers: Orphanet 1934, MedGen C0393706, MONDO:0800491.

Allele frequency attached by ClinVar (database versions not stated): gnomAD 0.00001; TOPMed 0.00005.
gnomAD v4.1: 6 of 1,613,840 alleles (0.00037%); highest among the groups gnomAD compares: African/African-American, 0.0013%; no homozygotes.

Submissions (2):

Labcorp Genetics (formerly Invitae), Labcorp
Classification: Likely benign for Early-infantile DEE. Last evaluated: 2024-07-31. Review status: criteria provided, single submitter. Criteria: Invitae Variant Classification Sherloc (09022015). Collection method: clinical testing. Allele origin: germline.

CeGaT Center for Human Genetics Tuebingen
Classification: Likely benign. Last evaluated: 2023-05-01. Review status: criteria provided, single submitter. Criteria: CeGaT Center For Human Genetics Tuebingen Variant Classification Criteria Version 2. Collection method: clinical testing. Allele origin: germline. Affected: yes. Observed: 1 variant allele.
Comment: SPTAN1: BP4, BP7